The following is an entry in ClinVar:

NM_014363.6(SACS):c.6240T>C (p.Val2080=)

Gene: SACS (sacsin molecular chaperone; minus strand). Cytogenetic location: 13q12.12.
Variant type: single nucleotide variant.
Coding change: c.6240T>C on transcript NM_014363.6 (MANE Select); coding-DNA position 6240, T replaced by C.
Protein change: p.Val2080=; no amino-acid change (valine 2080 retained).
Molecular consequence: synonymous variant.
Genome position (GRCh38, 1-based): chr13:23,337,636, A>G on the plus strand (T>C on the coding strand, the complement: SACS is on the minus strand). VCF-style: chr13-23337636-A-G. GRCh37 (hg19) VCF-style: chr13-23911775-A-G.
Other names: c.5799T>C, p.Val1933= (NM_001278055.2).
Identifiers: ClinVar variation 287211 (VCV000287211.28), dbSNP rs550680855, ClinGen allele CA6911113.

ClinVar aggregate classification (germline): Conflicting classifications of pathogenicity. Review status: criteria provided, conflicting classifications (1 of 4 stars). 7 submissions from 7 submitters: Uncertain significance (2); Benign (1); Likely benign (3). 1 of the submissions does not count toward it. Last evaluated 2026-08-07.

Conditions:
Spastic paraplegia. Identifiers: MedGen C0037772, HP:0001258.
Charlevoix-Saguenay spastic ataxia (SACS). Also called: SPASTIC ATAXIA 6, AUTOSOMAL RECESSIVE; AUTOSOMAL RECESSIVE SPASTIC ATAXIA OF CHARLEVOIX-SAGUENAY; Spastic ataxia of Charlevoix-Saguenay. Identifiers: Orphanet 98, MedGen C1849140, MONDO:0010041, OMIM 270550.
SACS-related disorder. Also called: SACS-related condition.

Allele frequency attached by ClinVar (database versions not stated): gnomAD 0.00002 and 0.00003; TOPMed 0.00002; ExAC 0.00012; gnomAD exomes 0.00013; 1000 Genomes Project 30x 0.00016; 1000 Genomes Project 0.00020.
gnomAD v4.1: 100 of 1,613,854 alleles (0.0062%); highest among the groups gnomAD compares: South Asian, 0.081%; no homozygotes.

Submissions (7):

PreventionGenetics, part of Exact Sciences
Classification: Likely benign for SACS-related condition. Last evaluated: 2026-08-07. Review status: criteria provided, single submitter. Criteria: ACMG Guidelines, 2015. Collection method: clinical testing. Allele origin: germline.
Comment: This variant is classified as likely benign based on ACMG/AMP sequence variant interpretation guidelines (Richards et al. 2015 PMID: 25741868, with internal and published modifications).

Labcorp Genetics (formerly Invitae), Labcorp
Classification: Likely benign for Spastic paraplegia. Last evaluated: 2026-01-25. Review status: criteria provided, single submitter. Criteria: Invitae Variant Classification Sherloc (09022015). Collection method: clinical testing. Allele origin: germline.

Genome-Nilou Lab
Classification: Likely benign for Charlevoix-Saguenay spastic ataxia. Last evaluated: 2021-09-05. Review status: criteria provided, single submitter. Criteria: ACMG Guidelines, 2015. Collection method: clinical testing. Allele origin: germline. Affected: no.

Athena Diagnostics
Classification: Benign. Last evaluated: 2021-02-01. Review status: criteria provided, single submitter. Criteria: Athena Diagnostics criteria. Collection method: clinical testing. Allele origin: unknown.

Illumina Laboratory Services, Illumina
Classification: Uncertain significance for Charlevoix-Saguenay spastic ataxia. Last evaluated: 2018-01-13. Review status: criteria provided, single submitter. Criteria: ICSL Variant Classification Criteria 13 December 2019. Collection method: clinical testing. Allele origin: germline.

Eurofins Ntd Llc (ga)
Classification: Uncertain significance. Last evaluated: 2016-04-29. Review status: criteria provided, single submitter. Criteria: EGL Classification Definitions 2015. Collection method: clinical testing. Allele origin: germline. Observed: 1 variant allele, 1 heterozygote.

Mayo Clinic Laboratories, Mayo Clinic
Classification: Likely benign. Last evaluated: 2017-11-01. Review status: no assertion criteria provided. Collection method: clinical testing. Allele origin: unknown. Not counted in ClinVar's aggregate classification.